The following is an entry in ClinVar:

ClinVar aggregate classification (germline): Pathogenic. Review status: reviewed by expert panel (3 of 4 stars). 11 submissions from 11 submitters: Pathogenic (1). 10 of the submissions do not count toward it. Last evaluated 2017-03-17.

Conditions:
CFTR-related disorder (CFTR-RD). Also called: CFTR-related condition; CFTR-related disorders. Identifiers: MedGen C5924204, MONDO:7770004.
Congenital bilateral aplasia of vas deferens from CFTR mutation (CBAVD). Identifiers: Orphanet 48, MedGen C0403814, MONDO:0010178, OMIM 277180. Disease mechanism: loss of function.
Bronchiectasis with or without elevated sweat chloride 1 (BESC1). Also called: Cystic Fibrosis-Like Syndrome. Identifiers: Orphanet 60033, MedGen C2749757, MONDO:0008887, OMIM 211400.
Hereditary pancreatitis (PCTT). Also called: Hereditary chronic pancreatitis; PRSS1-Related Hereditary Pancreatitis. Identifiers: Orphanet 676, MedGen C0238339, MONDO:0008185, OMIM 167800.
Cystic fibrosis (CF). Also called: MUCOVISCIDOSIS. Identifiers: Orphanet 586, MedGen C0010674, MONDO:0009061, OMIM 219700. Disease mechanism: loss of function.

Allele frequency attached by ClinVar (database versions not stated): gnomAD exomes below 0.00001; TOPMed below 0.00001.
gnomAD v4.1: 2 of 1,551,664 alleles (0.00013%); highest among the groups gnomAD compares: Admixed American, 0.0017%; no homozygotes.

Submissions (11):

CFTR2
Classification: Pathogenic for Cystic fibrosis. Last evaluated: 2017-03-17. Review status: reviewed by expert panel. Criteria: Sosnay PR et al. (Nat Genet 2013). Collection method: research. Allele origin: germline. Affected: yes. Study: CFTR2.

Natera, Inc.
Classification: Pathogenic for CFTR-related disorders. Last evaluated: 2025-12-22. Review status: criteria provided, single submitter. Criteria: Natera Variant Classification Schema (03/2026). Collection method: clinical testing. Allele origin: germline. Not counted in ClinVar's aggregate classification.
Comment: The c.1679+1G>A variant in CFTR is a canonical splice donor site variant predicted to affect pre-mRNA splicing, which may result in an abnormal transcript and altered protein product. This variant is expected to result in nonsense mediated decay, truncation, or a dysfunctional protein product. This variant is rare in the general population with a frequency below the threshold expected for the associated phenotype(s). This variant has been observed in one or more individuals affected with the associated recessive disease, as either homozygous or compound heterozygous with a second variant (PMID: 15858154, 27214204, 35697137). Given the available evidence, this variant is classified as Pathogenic.

Ambry Genetics
Classification: Pathogenic for Cystic fibrosis. Last evaluated: 2025-03-26. Review status: criteria provided, single submitter. Criteria: Ambry Variant Classification Scheme 2023. Collection method: clinical testing. Allele origin: germline. Not counted in ClinVar's aggregate classification.
Comment: The c.1679+1G>A intronic pathogenic mutation (also known as 1811+1G>A) results from a G to A substitution one nucleotide after coding exon 12 of the CFTR gene. This nucleotide position is highly conserved in available vertebrate species. In silico splice site analysis predicts that this alteration will weaken the native splice donor site. In addition to the clinical data presented in the literature, alterations that disrupt the canonical splice site are expected to cause aberrant splicing, resulting in an abnormal protein or a transcript that is subject to nonsense-mediated mRNA decay. As such, this alteration is classified as a disease-causing mutation.

Labcorp Genetics (formerly Invitae), Labcorp
Classification: Pathogenic for Cystic fibrosis. Last evaluated: 2024-06-12. Review status: criteria provided, single submitter. Criteria: Invitae Variant Classification Sherloc (09022015). Collection method: clinical testing. Allele origin: germline. Not counted in ClinVar's aggregate classification.
Comment: This sequence change affects a donor splice site in intron 12 of the CFTR gene. It is expected to disrupt RNA splicing. Variants that disrupt the donor or acceptor splice site typically lead to a loss of protein function (PMID: 16199547), and loss-of-function variants in CFTR are known to be pathogenic (PMID: 1695717, 7691345, 9725922). This variant is present in population databases (no rsID available, gnomAD 0.003%). Disruption of this splice site has been observed in individuals with cystic fibrosis (PMID: 8723694, 15858154). ClinVar contains an entry for this variant (Variation ID: 286869). Algorithms developed to predict the effect of sequence changes on RNA splicing suggest that this variant may disrupt the consensus splice site. For these reasons, this variant has been classified as Pathogenic.

Baylor Genetics
Classification: Pathogenic for Bronchiectasis with or without elevated sweat chloride 1. Last evaluated: 2023-03-11. Review status: criteria provided, single submitter. Criteria: ACMG Guidelines, 2015. Collection method: clinical testing. Allele origin: unknown. Not counted in ClinVar's aggregate classification.

Institute of Human Genetics, University of Leipzig Medical Center
Classification: Pathogenic for Cystic fibrosis. Last evaluated: 2022-09-05. Review status: criteria provided, single submitter. Criteria: ACMG Guidelines, 2015. Collection method: curation. Allele origin: unknown. Affected: yes. Observed: 1 variant allele. Not counted in ClinVar's aggregate classification.
Comment: The variant was classified in the context of a project re-classifying variants in the German Cystic Fibrosis Registry (Muko.e.V.). Criteria applied: PVS1, PS1_MOD, PM2_SUP, PM3_STR, PP4

Mendelics
Classification: Pathogenic for Cystic fibrosis. Last evaluated: 2018-11-05. Review status: criteria provided, single submitter. Criteria: Mendelics Assertion Criteria 2017. Collection method: clinical testing. Allele origin: unknown. Affected: yes. Not counted in ClinVar's aggregate classification.

Women's Health and Genetics/Laboratory Corporation of America, LabCorp
Classification: Pathogenic for Cystic fibrosis. Last evaluated: 2017-03-09. Review status: criteria provided, single submitter. Criteria: LabCorp Variant Classification Summary - May 2015. Collection method: clinical testing. Allele origin: germline. Not counted in ClinVar's aggregate classification.
Comment: Variant summary: The CFTR c.1679+1G>A variant (alternatively also known as 1811+1G>A) alters a highly conserved nucleotide in the splice donor site of intron 12, and therefore it is predicted to cause skipping of exon 12. 5/5 splice prediction tools predict abrogation of the splice donor site. Exon 12 (residues 529-560) encodes ATPase domain (InterPro), thus skipping of exon 12 would be expected to cause loss-of-function which is the known disease mechanism in cystic fibrosis. This variant is absent in 118616 control chromosomes from ExAC. One clinical diagnostic laboratory has classified this variant as pathogenic and has reported the variant in four individuals two indicated for CF and two for hereditary pancreatitis. It has also been reported in five CF patients in CFTR2 database and is classified as CF-causing. Taken together, this variant is classified as Pathogenic.

Eurofins Ntd Llc (ga)
Classification: Pathogenic. Last evaluated: 2016-04-28. Review status: criteria provided, single submitter. Criteria: EGL Classification Definitions 2015. Collection method: clinical testing. Allele origin: germline. Observed: 2 variant alleles, 1 heterozygote, 1 homozygote. Not counted in ClinVar's aggregate classification.

Juno Genomics, Hangzhou Juno Genomics, Inc
Classification: Pathogenic for Bronchiectasis with or without elevated sweat chloride 1; Hereditary pancreatitis; Congenital bilateral aplasia of vas deferens from CFTR mutation; Cystic fibrosis. Review status: criteria provided, single submitter. Criteria: ACMG Guidelines, 2015. Collection method: clinical testing. Allele origin: germline. Not counted in ClinVar's aggregate classification.
Comment: Absent from controls (or at extremely low frequency if recessive) in Genome Aggregation Database.;Null variant in a gene where loss of function (LOF) is a known mechanism of disease.;For recessive disorders, detected in trans with a pathogenic variant.

Counsyl
Classification: Pathogenic for Cystic fibrosis. Last evaluated: 2018-01-10. Review status: no assertion criteria provided. Collection method: clinical testing. Allele origin: unknown. Not counted in ClinVar's aggregate classification.

Literature cited by the submitters: PubMed 15858154 (cited by 4 submitters); PubMed 27214204 (cited by Natera, Inc.); PubMed 35697137 (cited by Natera, Inc.); PubMed 16199547 (cited by Labcorp Genetics (formerly Invitae), Labcorp); PubMed 1695717 (cited by Labcorp Genetics (formerly Invitae), Labcorp); PubMed 7691345 (cited by Labcorp Genetics (formerly Invitae), Labcorp); PubMed 9725922 (cited by Labcorp Genetics (formerly Invitae), Labcorp); PubMed 8723694 (cited by Labcorp Genetics (formerly Invitae), Labcorp).

NM_000492.4(CFTR):c.1679+1G>A

Genes: CFTR (CF transmembrane conductance regulator; plus strand), LOC111674475 (CFTR intron 11 enhancer; plus strand). Cytogenetic location: 7q31.2.
Variant type: single nucleotide variant.
Coding change: c.1679+1G>A on transcript NM_000492.4 (MANE Select); the canonical splice donor site of the intron after coding-DNA position 1679, G replaced by A.
Molecular consequence: splice donor variant.
Genome position (GRCh38, 1-based): chr7:117,587,834, G>A. VCF-style: chr7-117587834-G-A. GRCh37 (hg19) VCF-style: chr7-117227888-G-A.
Other names: 1811 + 1 G>A.
Identifiers: ClinVar variation 286869 (VCV000286869.23), dbSNP rs397508263, ClinGen allele CA10605596.